The following is an entry in ClinVar:

NM_001367561.1(DOCK7):c.4465A>T (p.Ile1489Phe)

Gene: DOCK7 (dedicator of cytokinesis 7; minus strand). Cytogenetic location: 1p31.3.
Variant type: single nucleotide variant.
Coding change: c.4465A>T on transcript NM_001367561.1 (MANE Select); coding-DNA position 4465, A replaced by T.
Protein change: p.Ile1489Phe; replaces isoleucine 1489 with phenylalanine.
Molecular consequence: missense variant.
Genome position (GRCh38, 1-based): chr1:62,507,973, T>A on the plus strand (A>T on the coding strand, the complement: DOCK7 is on the minus strand). VCF-style: chr1-62507973-T-A. GRCh37 (hg19) VCF-style: chr1-62973644-T-A.
Other names: c.4438A>T, p.Ile1480Phe (NM_001271999.2, NM_001330614.2); c.4345A>T, p.Ile1449Phe (NM_001272000.2, NM_001272001.2); c.4372A>T, p.Ile1458Phe (NM_033407.4); short protein forms I1449F, I1458F, I1480F, I1489F.
Identifiers: ClinVar variation 657409 (VCV000657409.9), dbSNP rs1571334815, ClinGen allele CA340621077.

ClinVar aggregate classification (germline): Uncertain significance (1 of 4 stars; one submission).

Conditions:
Developmental and epileptic encephalopathy, 23 (DEE23). Also called: Epileptic encephalopathy, early infantile, 23. Identifiers: Orphanet 411986, MedGen C4014492, MONDO:0014371, OMIM 615859.

Submission:

Labcorp Genetics (formerly Invitae), Labcorp
Classification: Uncertain significance for Developmental and epileptic encephalopathy, 23. Last evaluated: 2018-09-20. Review status: criteria provided, single submitter. Criteria: Invitae Variant Classification Sherloc (09022015). Collection method: clinical testing. Allele origin: germline.
Comment: This sequence change replaces isoleucine with phenylalanine at codon 1480 of the DOCK7 protein (p.Ile1480Phe). The isoleucine residue is highly conserved and there is a small physicochemical difference between isoleucine and phenylalanine. This variant is not present in population databases (ExAC no frequency). This variant has not been reported in the literature in individuals with DOCK7-related disease. Algorithms developed to predict the effect of missense changes on protein structure and function (SIFT, PolyPhen-2, Align-GVGD) all suggest that this variant is likely to be tolerated, but these predictions have not been confirmed by published functional studies and their clinical significance is uncertain. In summary, the available evidence is currently insufficient to determine the role of this variant in disease. Therefore, it has been classified as a Variant of Uncertain Significance.